The following is an entry in ClinVar:

ClinVar aggregate classification (germline): Uncertain significance. Review status: criteria provided, multiple submitters, no conflicts (2 of 4 stars). 2 submissions from 2 submitters: Uncertain significance (2). Last evaluated 2022-06-01.

Allele frequency attached by ClinVar (database versions not stated): gnomAD 0.00002; gnomAD exomes 0.00002; TOPMed 0.00003.
gnomAD v4.1: 16 of 1,613,754 alleles (0.00099%); highest among the groups gnomAD compares: Admixed American, 0.005%; no homozygotes.

Submissions (2):

Labcorp Genetics (formerly Invitae), Labcorp
Classification: Uncertain significance. Last evaluated: 2022-06-01. Review status: criteria provided, single submitter. Criteria: Invitae Variant Classification Sherloc (09022015). Collection method: clinical testing. Allele origin: germline.
Comment: This sequence change replaces arginine, which is basic and polar, with glutamine, which is neutral and polar, at codon 2958 of the FAT4 protein (p.Arg2958Gln). This variant is present in population databases (no rsID available, gnomAD 0.003%). This variant has not been reported in the literature in individuals affected with FAT4-related conditions. Advanced modeling of protein sequence and biophysical properties (such as structural, functional, and spatial information, amino acid conservation, physicochemical variation, residue mobility, and thermodynamic stability) performed at Invitae indicates that this missense variant is not expected to disrupt FAT4 protein function. In summary, the available evidence is currently insufficient to determine the role of this variant in disease. Therefore, it has been classified as a Variant of Uncertain Significance.

Seattle Children's Hospital Molecular Genetics Laboratory, Seattle Children's Hospital
Classification: Uncertain significance. Last evaluated: 2020-05-26. Review status: criteria provided, single submitter. Criteria: ACMG Guidelines, 2015. Collection method: clinical testing. Allele origin: germline. Affected: yes.
Comment: The p.Arg2958Gln (c.8873G>A, rs961185884) variant in exon 10 of FAT4 substitutes the arginine at position 2958 with glutamine. This variant has not been reported as pathogenic. This variant was observed in the gnomAD database in 4 out of 250,584 alleles (GRCh37 chr4:126371044). This is an evolutionary conserved amino acid across species and in silico tools have conflicting predictions about this possible impact of this change on protein function (6 benign predictions from DEOGEN2, M-CAP, MVP, MutationAssessor, REVEL and SIFT versus 5 pathogenic predictions from DANN, EIGEN, FATHMM-MKL, MutationTaster and PrimateAI).

NM_001291303.3(FAT4):c.8879G>A (p.Arg2960Gln)

Gene: FAT4 (FAT atypical cadherin 4; plus strand). Cytogenetic location: 4q28.1.
Variant type: single nucleotide variant.
Coding change: c.8879G>A on transcript NM_001291303.3 (MANE Select); coding-DNA position 8879, G replaced by A.
Protein change: p.Arg2960Gln; replaces arginine 2960 with glutamine.
Molecular consequence: missense variant.
Genome position (GRCh38, 1-based): chr4:125,449,889, G>A. VCF-style: chr4-125449889-G-A. GRCh37 (hg19) VCF-style: chr4-126371044-G-A.
Other names: c.8879G>A, p.Arg2960Gln (NM_001291285.3); c.8873G>A, p.Arg2958Gln (NM_024582.6); short protein forms R2958Q, R2960Q.
Identifiers: ClinVar variation 1691350 (VCV001691350.4), dbSNP rs961185884, ClinGen allele CA104881530.